The following is an entry in ClinVar:

ClinVar aggregate classification (germline): Likely pathogenic (1 of 4 stars; one submission).

Conditions:
Primary open angle glaucoma (POAG). Also called: OPTN-related open angle glaucoma. Identifiers: MedGen C0339573, MONDO:0100553, OMIM 137760.
Glaucoma 1, open angle, E. Identifiers: MedGen C1842026, MONDO:0007665.
Amyotrophic lateral sclerosis type 12 (ALS12). Also called: AMYOTROPHIC LATERAL SCLEROSIS 12 WITH OR WITHOUT FRONTOTEMPORAL DEMENTIA. Identifiers: Orphanet 803, MedGen C3150692, MONDO:0013264, OMIM 613435.

Allele frequency attached by ClinVar (database versions not stated): gnomAD 0.00001; TOPMed 0.00001.
gnomAD v4.1: 16 of 1,614,086 alleles (0.00099%); highest among the groups gnomAD compares: African/African-American, 0.0013%; no homozygotes.

Submission:

Labcorp Genetics (formerly Invitae), Labcorp
Classification: Likely pathogenic for Primary open angle glaucoma; Glaucoma 1, open angle, E; Amyotrophic lateral sclerosis type 12. Last evaluated: 2025-04-11. Review status: criteria provided, single submitter. Criteria: Invitae Variant Classification Sherloc (09022015). Collection method: clinical testing. Allele origin: germline.
Comment: This sequence change replaces lysine, which is basic and polar, with threonine, which is neutral and polar, at codon 557 of the OPTN protein (p.Lys557Thr). This variant is not present in population databases (gnomAD no frequency). This missense change has been observed in individual(s) with autosomal dominant amyotrophic lateral sclerosis (PMID: 21613650). ClinVar contains an entry for this variant (Variation ID: 2924818). Invitae Evidence Modeling of protein sequence and biophysical properties (such as structural, functional, and spatial information, amino acid conservation, physicochemical variation, residue mobility, and thermodynamic stability) indicates that this missense variant is expected to disrupt OPTN protein function with a positive predictive value of 80%. In summary, the currently available evidence indicates that the variant is pathogenic, but additional data are needed to prove that conclusively. Therefore, this variant has been classified as Likely Pathogenic.

Literature cited by the submitters: PubMed 21613650.

NM_001008212.2(OPTN):c.1670A>C (p.Lys557Thr)

Gene: OPTN (optineurin; plus strand). Cytogenetic location: 10p13.
Variant type: single nucleotide variant.
Coding change: c.1670A>C on transcript NM_001008212.2 (MANE Select); coding-DNA position 1670, A replaced by C.
Protein change: p.Lys557Thr; replaces lysine 557 with threonine.
Molecular consequence: missense variant.
Genome position (GRCh38, 1-based): chr10:13,136,802, A>C. VCF-style: chr10-13136802-A-C. GRCh37 (hg19) VCF-style: chr10-13178802-A-C.
Other names: c.1670A>C, p.Lys557Thr (NM_001008211.1, NM_001008213.1, NM_021980.4); short protein forms K557T.
Identifiers: ClinVar variation 2924818 (VCV002924818.3), dbSNP rs1357375850, ClinGen allele CA376030760.
Genomic context (GRCh38, chr10:13,136,802, plus strand): 5'-CAGGAGCTGAGGACAGGGACTGGCGGCAACAGCGGAATATTCCGATTCATTCCTGCCCCA[A>C]GTGTGGAGAGGTTCTGCCTGACATAGACACGTTACAGATTCACGTGATGGATTGCATCAT-3'
Protein context (NP_001008213.1, residues 547-567): QRNIPIHSCP[Lys557Thr]CGEVLPDIDT